The following is an entry in ClinVar:

NM_005901.6(SMAD2):c.972G>C (p.Thr324=)

Gene: SMAD2 (SMAD family member 2; minus strand). Cytogenetic location: 18q21.1.
Variant type: single nucleotide variant.
Coding change: c.972G>C on transcript NM_005901.6 (MANE Select); coding-DNA position 972, G replaced by C.
Protein change: p.Thr324=; no amino-acid change (threonine 324 retained).
Molecular consequence: synonymous variant.
Genome position (GRCh38, 1-based): chr18:47,848,500, C>G on the plus strand (G>C on the coding strand, the complement: SMAD2 is on the minus strand). VCF-style: chr18-47848500-C-G. GRCh37 (hg19) VCF-style: chr18-45374871-C-G.
Other names: c.972G>C, p.Thr324= (NM_001003652.4); c.882G>C, p.Thr294= (NM_001135937.3).
Identifiers: ClinVar variation 3375074 (VCV003375074.2).

ClinVar aggregate classification (germline): Benign/Likely benign. Review status: criteria provided, multiple submitters, no conflicts (2 of 4 stars). 2 submissions from 2 submitters: Benign (1); Likely benign (1). Last evaluated 2024-11-20.

gnomAD v4.1: 29 of 1,613,368 alleles (0.0018%); highest among the groups gnomAD compares: Non-Finnish European, 0.0018%; no homozygotes.

Submissions (2):

Blueprint Genetics
Classification: Likely benign. Last evaluated: 2024-11-20. Review status: criteria provided, single submitter. Criteria: ACMG Guidelines, 2015. Collection method: clinical testing. Allele origin: germline.

Women's Health and Genetics/Laboratory Corporation of America, LabCorp
Classification: Benign. Last evaluated: 2024-09-04. Review status: criteria provided, single submitter. Criteria: LabCorp Variant Classification Summary - May 2015. Collection method: clinical testing. Allele origin: germline.
Comment: Variant summary: SMAD2 c.972G>C alters a non-conserved nucleotide resulting in a synonymous change. Consensus agreement among computation tools predict no significant impact on normal splicing. However, these predictions have yet to be confirmed by functional studies. The variant allele was found at a frequency of 1.8e-05 in 1613368 control chromosomes (gnomAD). The observed variant frequency is approximately 57.52 fold of the estimated maximal expected allele frequency for a pathogenic variant in SMAD2 causing Loeys-Dietz Syndrome phenotype (3.1e-07). To our knowledge, no occurrence of c.972G>C in individuals affected with Loeys-Dietz Syndrome and no experimental evidence demonstrating its impact on protein function have been reported. No submitters have cited clinical-significance assessments for this variant to ClinVar. Based on the evidence outlined above, the variant was classified as benign.